The following is an entry in ClinVar:

NM_032043.3(BRIP1):c.1103C>G (p.Pro368Arg)

Gene: BRIP1 (BRCA1 interacting DNA helicase 1; minus strand). Cytogenetic location: 17q23.2.
Variant type: single nucleotide variant.
Coding change: c.1103C>G on transcript NM_032043.3 (MANE Select); coding-DNA position 1103, C replaced by G.
Protein change: p.Pro368Arg; replaces proline 368 with arginine.
Molecular consequence: missense variant.
Genome position (GRCh38, 1-based): chr17:61,801,290, G>C on the plus strand (C>G on the coding strand, the complement: BRIP1 is on the minus strand). VCF-style: chr17-61801290-G-C. GRCh37 (hg19) VCF-style: chr17-59878651-G-C.
Other names: short protein forms P368R.
Identifiers: ClinVar variation 418095 (VCV000418095.4), dbSNP rs1064793072, ClinGen allele CA16620538.

ClinVar aggregate classification (germline): Uncertain significance. Review status: criteria provided, multiple submitters, no conflicts (2 of 4 stars). 2 submissions from 2 submitters: Uncertain significance (2). Last evaluated 2019-04-01.

Conditions:
Hereditary cancer-predisposing syndrome. Also called: Hereditary neoplastic syndrome; Tumor predisposition; Neoplastic Syndromes, Hereditary; Hereditary Cancer Syndrome. Identifiers: Orphanet 140162, MedGen C0027672, MeSH D009386, MONDO:0015356.

Submissions (2):

Ambry Genetics
Classification: Uncertain significance for Hereditary cancer-predisposing syndrome. Last evaluated: 2019-04-01. Review status: criteria provided, single submitter. Criteria: Ambry Variant Classification Scheme 2023. Collection method: clinical testing. Allele origin: germline.
Comment: The p.P368R variant (also known as c.1103C>G), located in coding exon 7 of the BRIP1 gene, results from a C to G substitution at nucleotide position 1103. The proline at codon 368 is replaced by arginine, an amino acid with dissimilar properties. This amino acid position is highly conserved in available vertebrate species. In addition, this alteration is predicted to be deleterious by in silico analysis. Since supporting evidence is limited at this time, the clinical significance of this alteration remains unclear.

GeneDx
Classification: Uncertain significance. Last evaluated: 2014-10-17. Review status: criteria provided, single submitter. Criteria: GeneDx Variant Classification (06012015). Collection method: clinical testing. Allele origin: germline. Affected: yes.
Comment: This variant is denoted BRIP1 c.1103C>G at the cDNA level, p.Pro368Arg (P368R) at the protein level, and results in the change of a Proline to an Arginine (CCC>CGC). This variant has not, to our knowledge, been published in the literature as pathogenic or benign. BRIP1 Pro368Arg was not observed in approximately 6,500 individuals of European and African American ancestry in the NHLBI Exome Sequencing Project, indicating it is not a common benign variant in these populations. Since Proline and Arginine differ in polarity, charge, size or other properties, this is considered a non-conservative amino acid substitution. BRIP1 Pro368Arg occurs at a position that is conserved across species and is located within the Helicase ATP-binding domain (UniProt). In silico analyses predict that this variant is probably damaging to protein structure and function. Based on currently available information, it is unclear whether BRIP1 Pro368Arg is pathogenic or benign. We consider it to be a variant of uncertain significance.